The following is an entry in ClinVar:

NM_152594.3(SPRED1):c.-244T>C

Genes: SPRED1 (sprouty related EVH1 domain containing 1; plus strand), LOC130056788 (ATAC-STARR-seq lymphoblastoid silent region 6303; plus strand). Cytogenetic location: 15q14.
Variant type: single nucleotide variant.
Coding change: c.-244T>C on transcript NM_152594.3 (MANE Select); 244 bases upstream of the start codon, T replaced by C.
Molecular consequence: 5 prime UTR variant.
Genome position (GRCh38, 1-based): chr15:38,252,942, T>C. VCF-style: chr15-38252942-T-C. GRCh37 (hg19) VCF-style: chr15-38545143-T-C.
Identifiers: ClinVar variation 315726 (VCV000315726.5), dbSNP rs138385793, ClinGen allele CA10646883.
Genomic context (GRCh38, chr15:38,252,942, plus strand): 5'-TTTGCAGCCCCTCTCTTTTTCCCTTTCCACCGGGCCTCCTCGGATCCCTTGGCTGGGCAC[T>C]GAGGCGGGGGAAGAGGCTGGGGTCGCCACGGCGGAGGTTGCTGCCGCCACCCCCCTGCGG-3'

ClinVar aggregate classification (germline): Benign (1 of 4 stars; one submission).

Conditions:
Legius syndrome. Identifiers: Orphanet 137605, MedGen C1969623, MONDO:0012669, OMIM 611431. Disease mechanism: loss of function.

Allele frequency attached by ClinVar (database versions not stated): gnomAD exomes 0.00074; gnomAD 0.00693; TOPMed 0.00739; 1000 Genomes Project 0.01138; 1000 Genomes Project 30x 0.01343.

Submission:

Illumina Laboratory Services, Illumina
Classification: Benign for Legius syndrome. Last evaluated: 2018-01-12. Review status: criteria provided, single submitter. Criteria: ICSL Variant Classification Criteria 13 December 2019. Collection method: clinical testing. Allele origin: germline.
Comment: This variant was observed in the ICSL laboratory as part of a predisposition screen in an ostensibly healthy population. It had not been previously curated by ICSL or reported in the Human Gene Mutation Database (HGMD: prior to June 1st, 2018), and was therefore a candidate for classification through an automated scoring system. Utilizing variant allele frequency, disease prevalence and penetrance estimates, and inheritance mode, an automated score was calculated to assess if this variant is too frequent to cause the disease. Based on the score and internal cut-off values, a variant classified as benign is not then subjected to further curation. The score for this variant resulted in a classification of benign for this disease.